The following is an entry in ClinVar:

ClinVar aggregate classification (germline): Uncertain significance (1 of 4 stars; one submission).

Conditions:
Lowe syndrome (OCRL). Also called: LOWE OCULOCEREBRORENAL SYNDROME; PHOSPHATIDYLINOSITOL 4,5-BISPHOSPHATE 5-PHOSPHATASE DEFICIENCY; Oculocerebrorenal Syndrome. Identifiers: Orphanet 534, MedGen C0028860, MONDO:0010645, OMIM 309000.

Submission:

3billion
Classification: Uncertain significance for Lowe syndrome. Last evaluated: 2024-07-23. Review status: criteria provided, single submitter. Criteria: ACMG Guidelines, 2015. Collection method: clinical testing. Allele origin: germline. Affected: yes.
Comment: The variant is not observed in the gnomAD v4.0.0 dataset. Predicted Consequence/Location: Missense variant In silico tool predictions suggest damaging effect of the variant on gene or gene product [REVEL: 0.97 (>=0.6, sensitivity 0.68 and specificity 0.92); 3Cnet: 0.98 (>=0.6, sensitivity 0.72 and precision 0.9)]. Therefore, this variant is classified as VUS according to the recommendation of ACMG/AMP guideline.

NM_000276.4(OCRL):c.1487C>T (p.Ala496Val)

Gene: OCRL (OCRL inositol polyphosphate-5-phosphatase; plus strand). Cytogenetic location: Xq26.1.
Variant type: single nucleotide variant.
Coding change: c.1487C>T on transcript NM_000276.4 (MANE Select); coding-DNA position 1487, C replaced by T.
Protein change: p.Ala496Val; replaces alanine 496 with valine.
Molecular consequence: missense variant.
Genome position (GRCh38, 1-based): chrX:129,569,284, C>T. VCF-style: chrX-129569284-C-T. GRCh37 (hg19) VCF-style: chrX-128703261-C-T.
Other names: c.1490C>T, p.Ala497Val (NM_001318784.2); c.1487C>T, p.Ala496Val (NM_001587.4); short protein forms A496V, A497V.
Identifiers: ClinVar variation 4293423 (VCV004293423.1).
Genomic context (GRCh38, chrX:129,569,284, plus strand): 5'-TGTGATATGTTCTCTTTATAACTCGTTTCTTTACTTACAGTGGGAAATGCCGGGTTCCAG[C>T]CTGGTGTGACCGAATTCTTTGGAGAGGAACAAATGTTAATCAGCTTAATTATCGGAGTCA-3'
Protein context (NP_000267.2, residues 486-506): WDSSGKCRVP[Ala496Val]WCDRILWRGT